The following is an entry in ClinVar:

NM_000268.4(NF2):c.925A>T (p.Arg309Trp)

Gene: NF2 (NF2, moesin-ezrin-radixin like (MERLIN) tumor suppressor; plus strand). Cytogenetic location: 22q12.2.
Variant type: single nucleotide variant.
Coding change: c.925A>T on transcript NM_000268.4 (MANE Select); coding-DNA position 925, A replaced by T.
Protein change: p.Arg309Trp; replaces arginine 309 with tryptophan.
Molecular consequence: missense variant. On other transcripts: non-coding transcript variant (1), intron variant (1).
Genome position (GRCh38, 1-based): chr22:29,668,372, A>T. VCF-style: chr22-29668372-A-T. GRCh37 (hg19) VCF-style: chr22-30064361-A-T.
Other names: c.802A>T, p.Arg268Trp (NM_001407054.1, NM_001407058.1, NM_181829.3); c.799A>T, p.Arg267Trp (NM_001407055.1, NM_181828.3); c.811A>T, p.Arg271Trp (NM_001407056.1, NM_001407053.1); c.790A>T, p.Arg264Trp (NM_001407057.1, NM_001407059.1); c.391A>T, p.Arg131Trp (NM_001407065.1); c.925A>T, p.Arg309Trp (NM_001407066.1, NM_001407060.1, NM_016418.5 and 2 more transcripts); c.694A>T, p.Arg232Trp (NM_001407067.1); c.667A>T, p.Arg223Trp (NM_001407062.1); and 2 more; short protein forms R131W, R223W, R226W, R264W, R232W, R267W, R268W, R271W.
Identifiers: ClinVar variation 3405014 (VCV003405014.1).

ClinVar aggregate classification (germline): Uncertain significance (1 of 4 stars; one submission).

Conditions:
Hereditary cancer-predisposing syndrome. Also called: Neoplastic Syndromes, Hereditary; Tumor predisposition; Hereditary Cancer Syndrome; Hereditary neoplastic syndrome. Identifiers: Orphanet 140162, MedGen C0027672, MeSH D009386, MONDO:0015356.

Submission:

Ambry Genetics
Classification: Uncertain significance for Hereditary cancer-predisposing syndrome. Last evaluated: 2024-10-15. Review status: criteria provided, single submitter. Criteria: Ambry Variant Classification Scheme 2023. Collection method: clinical testing. Allele origin: germline.
Comment: The p.R309W variant (also known as c.925A>T), located in coding exon 10 of the NF2 gene, results from an A to T substitution at nucleotide position 925. The arginine at codon 309 is replaced by tryptophan, an amino acid with dissimilar properties. This amino acid position is conserved. In addition, this alteration is predicted to be deleterious by in silico analysis. Based on the available evidence, the clinical significance of this variant remains unclear.